The following is an entry in ClinVar:

NM_022455.5(NSD1):c.1727dup (p.Asn576fs)

Gene: NSD1 (nuclear receptor binding SET domain protein 1; plus strand). Cytogenetic location: 5q35.3.
Variant type: Duplication.
Coding change: c.1727dup on transcript NM_022455.5 (MANE Select); coding-DNA position 1727, one base duplicated (A; older notation c.1727dupA).
Protein change: p.Asn576fs; shifts the reading frame from asparagine 576.
Molecular consequence: frameshift variant.
Genome position (GRCh38, 1-based): chr5:177,210,126, A duplicated; the last of 6 consecutive A bases (chr5:177,210,121-177,210,126); duplicating any one gives the same sequence. VCF-style (leftmost placement, unchanged base first): chr5-177210120-G-GA. GRCh37 (hg19) VCF-style: chr5-176637121-G-GA.
Other names: c.1727dupA (NM_022455.4); c.854dup, p.Asn285Lysfs (NM_001365684.2, NM_001409306.1, NM_001409307.1 and 3 more transcripts); c.1727dup, p.Asn576Lysfs (NM_001409301.1, NM_001409302.1, NM_001409303.1); c.1307dup, p.Asn436Lysfs (NM_001409304.1); c.974dup, p.Asn325Lysfs (NM_001409305.1); short protein forms N307fs, N576fs.
Identifiers: ClinVar variation 1320149 (VCV001320149.4), dbSNP rs1299932363, ClinGen allele CA564898865.

ClinVar aggregate classification (germline): Pathogenic. Review status: criteria provided, multiple submitters, no conflicts (2 of 4 stars). 3 submissions from 3 submitters: Pathogenic (3). Last evaluated 2022-05-04.

Conditions:
Sotos syndrome (SOTOS). Also called: CHROMOSOME 5q35 DELETION SYNDROME; SOTOS SYNDROME 1; Distinctive facial appearance, overgrowth in childhood, and learning disabilities or delayed development; CEREBRAL GIGANTISM; Sotos' syndrome. Identifiers: Orphanet 821, MedGen C0175695, MONDO:0019349, OMIM 117550.

Submissions (3):

Mendelics
Classification: Pathogenic for Sotos syndrome. Last evaluated: 2022-05-04. Review status: criteria provided, single submitter. Criteria: Mendelics Assertion Criteria 2019. Collection method: clinical testing. Allele origin: germline.

3billion
Classification: Pathogenic for Sotos syndrome. Last evaluated: 2021-10-02. Review status: criteria provided, single submitter. Criteria: ACMG Guidelines, 2015. Collection method: clinical testing. Allele origin: unknown. Affected: yes. Observed: 1 variant allele, 1 heterozygote.
Comment: Frameshift: predicted to result in a loss or disruption of normal protein function through nonsense-mediated decay (NMD) or protein truncation. Multiple pathogenic variants are reported downstream of the variant (PVS1_VS). The variant was observed as assumed (i.e. paternity and maternity not confirmed) de novoo (3billion dataset, PM6). It is not observed in the gnomAD v2.1.1 dataset (PM2). Therefore, this variant is classified as pathogenic according to the recommendation of ACMG/AMP guideline.

CENTOGENE GmbH and LLC - Guiding Precision Medicine
Classification: Pathogenic for Sotos syndrome. Last evaluated: 2019-10-17. Review status: criteria provided, single submitter. Criteria: ACMG Guidelines, 2015. Collection method: clinical testing. Allele origin: de novo. Affected: yes.